The following is an entry in ClinVar:

ClinVar aggregate classification (germline): Conflicting classifications of pathogenicity. Review status: criteria provided, conflicting classifications (1 of 4 stars). 2 submissions from 2 submitters: Uncertain significance (1); Likely benign (1). Last evaluated 2025-08-13.

Allele frequency attached by ClinVar (database versions not stated): 1000 Genomes Project 30x 0.00109; 1000 Genomes Project 0.00120; gnomAD exomes 0.00198; ExAC 0.00213; gnomAD 0.00247; ESP Exome Variant Server 0.00264; TOPMed 0.00275.
gnomAD v4.1: 3,311 of 1,613,786 alleles (0.21%); highest among the groups gnomAD compares: Middle Eastern, 0.99%; 9 homozygotes.

Submissions (2):

Ambry Genetics
Classification: Uncertain significance. Last evaluated: 2025-08-13. Review status: criteria provided, single submitter. Criteria: Ambry Variant Classification Scheme 2023. Collection method: clinical testing. Allele origin: germline.

CeGaT Center for Human Genetics Tuebingen
Classification: Likely benign. Last evaluated: 2023-08-01. Review status: criteria provided, single submitter. Criteria: CeGaT Center For Human Genetics Tuebingen Variant Classification Criteria Version 2. Collection method: clinical testing. Allele origin: germline. Affected: yes. Observed: 3 variant alleles.
Comment: DOCK10: BP4

NM_014689.3(DOCK10):c.902G>A (p.Arg301Lys)

Gene: DOCK10 (dedicator of cytokinesis 10; minus strand). Cytogenetic location: 2q36.2.
Variant type: single nucleotide variant.
Coding change: c.902G>A on transcript NM_014689.3 (MANE Select); coding-DNA position 902, G replaced by A.
Protein change: p.Arg301Lys; replaces arginine 301 with lysine.
Molecular consequence: missense variant.
Genome position (GRCh38, 1-based): chr2:224,876,067, C>T on the plus strand (G>A on the coding strand, the complement: DOCK10 is on the minus strand). VCF-style: chr2-224876067-C-T. GRCh37 (hg19) VCF-style: chr2-225740784-C-T.
Other names: c.902G>A (NM_014689.2); c.884G>A, p.Arg295Lys (NM_001290263.2); c.941G>A, p.Arg314Lys (NM_001363762.1); short protein forms R295K, R301K, R314K.
Identifiers: ClinVar variation 2651950 (VCV002651950.25), dbSNP rs180691490, ClinGen allele CA2142018.